The following is an entry in ClinVar:

ClinVar aggregate classification (germline): Uncertain significance. Review status: criteria provided, multiple submitters, no conflicts (2 of 4 stars). 2 submissions from 2 submitters: Uncertain significance (2). Last evaluated 2025-05-27.

Conditions:
Inborn genetic diseases. Identifiers: MedGen C0950123, MeSH D030342.

Allele frequency attached by ClinVar (database versions not stated): gnomAD exomes below 0.00001; gnomAD 0.00001; TOPMed 0.00002; ESP Exome Variant Server 0.00008.
gnomAD v4.1: 3 of 1,614,046 alleles (0.00019%); highest among the groups gnomAD compares: African/African-American, 0.004%; no homozygotes.

Submissions (2):

Ambry Genetics
Classification: Uncertain significance for Inborn genetic diseases. Last evaluated: 2025-05-27. Review status: criteria provided, single submitter. Criteria: Ambry Variant Classification Scheme 2023. Collection method: clinical testing. Allele origin: germline.

Labcorp Genetics (formerly Invitae), Labcorp
Classification: Uncertain significance. Last evaluated: 2022-04-18. Review status: criteria provided, single submitter. Criteria: Invitae Variant Classification Sherloc (09022015). Collection method: clinical testing. Allele origin: germline.
Comment: In summary, the available evidence is currently insufficient to determine the role of this variant in disease. Therefore, it has been classified as a Variant of Uncertain Significance. Algorithms developed to predict the effect of missense changes on protein structure and function (SIFT, PolyPhen-2, Align-GVGD) all suggest that this variant is likely to be tolerated. This variant has not been reported in the literature in individuals affected with VCAN-related conditions. This variant is present in population databases (rs140454437, gnomAD 0.008%). This sequence change replaces isoleucine, which is neutral and non-polar, with valine, which is neutral and non-polar, at codon 843 of the VCAN protein (p.Ile843Val).

NM_004385.5(VCAN):c.2527A>G (p.Ile843Val)

Gene: VCAN (versican; plus strand). Cytogenetic location: 5q14.3.
Variant type: single nucleotide variant.
Coding change: c.2527A>G on transcript NM_004385.5 (MANE Select); coding-DNA position 2527, A replaced by G.
Protein change: p.Ile843Val; replaces isoleucine 843 with valine.
Molecular consequence: missense variant. On other transcripts: intron variant (2).
Genome position (GRCh38, 1-based): chr5:83,520,833, A>G. VCF-style: chr5-83520833-A-G. GRCh37 (hg19) VCF-style: chr5-82816652-A-G.
Other names: c.2527A>G, p.Ile843Val (NM_001164098.2); c.1042+8437A>G (NM_001164097.2, NM_001126336.3); c.2527A>G (NM_004385.4); short protein forms I843V.
Identifiers: ClinVar variation 1934455 (VCV001934455.6), dbSNP rs140454437, ClinGen allele CA121792477.
Genomic context (GRCh38, chr5:83,520,833, plus strand): 5'-TCTTCAAAATTGCCCCCTGCCTTACTCACAACTGTGGGGATGAATGGAAAGGATAAAGAC[A>G]TCCCAAGTTTCACTGAAGATGGAGCAGATGAATTTACTCTTATTCCAGATAGTACTCAAA-3'
Protein context (NP_004376.2, residues 833-853): TVGMNGKDKD[Ile843Val]PSFTEDGADE